The following is an entry in ClinVar:

NM_000400.4(ERCC2):c.2038G>A (p.Ala680Thr)

Gene: ERCC2 (ERCC excision repair 2, TFIIH core complex helicase subunit; minus strand). Cytogenetic location: 19q13.32.
Variant type: single nucleotide variant.
Coding change: c.2038G>A on transcript NM_000400.4 (MANE Select); coding-DNA position 2038, G replaced by A.
Protein change: p.Ala680Thr; replaces alanine 680 with threonine.
Molecular consequence: missense variant.
Genome position (GRCh38, 1-based): chr19:45,352,514, C>T on the plus strand (G>A on the coding strand, the complement: ERCC2 is on the minus strand). VCF-style: chr19-45352514-C-T. GRCh37 (hg19) VCF-style: chr19-45855772-C-T.
Other names: short protein forms A680T.
Identifiers: ClinVar variation 1784849 (VCV001784849.2), dbSNP rs2513999111, ClinGen allele CA406362721.

ClinVar aggregate classification (germline): Uncertain significance (1 of 4 stars; one submission).

Conditions:
Inborn genetic diseases. Identifiers: MedGen C0950123, MeSH D030342.

Allele frequency attached by ClinVar (database versions not stated): gnomAD exomes below 0.00001.
gnomAD v4.1: 4 of 1,614,190 alleles (0.00025%); highest among the groups gnomAD compares: African/African-American, 0.0013%; no homozygotes.

Submission:

Ambry Genetics
Classification: Uncertain significance for Inborn genetic diseases. Last evaluated: 2023-10-09. Review status: criteria provided, single submitter. Criteria: Ambry Variant Classification Scheme 2023. Collection method: clinical testing. Allele origin: germline.
Comment: The p.A680T variant (also known as c.2038G>A), located in coding exon 21 of the ERCC2 gene, results from a G to A substitution at nucleotide position 2038. The alanine at codon 680 is replaced by threonine, an amino acid with similar properties. This amino acid position is conserved. In addition, this alteration is predicted to be deleterious by in silico analysis. Since supporting evidence is limited at this time, the clinical significance of this alteration remains unclear.